The following is an entry in ClinVar:

ClinVar aggregate classification (germline): Uncertain significance. Review status: criteria provided, multiple submitters, no conflicts (2 of 4 stars). 2 submissions from 2 submitters: Uncertain significance (2). Last evaluated 2025-03-24.

Conditions:
Inborn genetic diseases. Identifiers: MedGen C0950123, MeSH D030342.

Allele frequency attached by ClinVar (database versions not stated): ESP Exome Variant Server 0.00017.
gnomAD v4.1: 35 of 1,582,154 alleles (0.0022%); highest among the groups gnomAD compares: African/African-American, 0.03%; no homozygotes.

Submissions (2):

Ambry Genetics
Classification: Uncertain significance for Inborn genetic diseases. Last evaluated: 2025-03-24. Review status: criteria provided, single submitter. Criteria: Ambry Variant Classification Scheme 2023. Collection method: clinical testing. Allele origin: germline.

GeneDx
Classification: Uncertain significance. Last evaluated: 2022-12-27. Review status: criteria provided, single submitter. Criteria: GeneDx Variant Classification Process June 2021. Collection method: clinical testing. Allele origin: germline. Affected: yes.
Comment: In silico analysis supports that this missense variant has a deleterious effect on protein structure/function; Has not been previously published as pathogenic or benign to our knowledge

NM_001080477.4(TENM3):c.1803C>G (p.Asn601Lys)

Gene: TENM3 (teneurin transmembrane protein 3; plus strand). Cytogenetic location: 4q35.1.
Variant type: single nucleotide variant.
Coding change: c.1803C>G on transcript NM_001080477.4 (MANE Select); coding-DNA position 1803, C replaced by G.
Protein change: p.Asn601Lys; replaces asparagine 601 with lysine.
Molecular consequence: missense variant.
Genome position (GRCh38, 1-based): chr4:182,680,706, C>G. VCF-style: chr4-182680706-C-G. GRCh37 (hg19) VCF-style: chr4-183601859-C-G.
Other names: c.987C>G, p.Asn329Lys (NM_001415960.1, NM_001415961.1, NM_001415962.1 and 2 more transcripts); c.1524C>G, p.Asn508Lys (NM_001415966.1, NM_001415967.1, NM_001415976.1 and 1 more transcripts); c.1803C>G, p.Asn601Lys (NM_001415968.1, NM_001415969.1, NM_001415970.1 and 4 more transcripts); c.1803C>G (NM_001080477.1); short protein forms N329K, N508K, N601K.
Identifiers: ClinVar variation 2507102 (VCV002507102.2), dbSNP rs369589600, ClinGen allele CA3147807.